The following is an entry in ClinVar:

NM_001379403.1(WDR26):c.1223C>T (p.Ala408Val)

Gene: WDR26 (WD repeat domain 26; minus strand). Cytogenetic location: 1q42.12.
Variant type: single nucleotide variant.
Coding change: c.1223C>T on transcript NM_001379403.1 (MANE Select); coding-DNA position 1223, C replaced by T.
Protein change: p.Ala408Val; replaces alanine 408 with valine.
Molecular consequence: missense variant.
Genome position (GRCh38, 1-based): chr1:224,418,356, G>A on the plus strand (C>T on the coding strand, the complement: WDR26 is on the minus strand). VCF-style: chr1-224418356-G-A. GRCh37 (hg19) VCF-style: chr1-224606058-G-A.
Other names: c.875C>T, p.Ala292Val (NM_001115113.3); c.923C>T, p.Ala308Val (NM_025160.7); short protein forms A292V, A308V, A408V.
Identifiers: ClinVar variation 3897399 (VCV003897399.1).
Genomic context (GRCh38, chr1:224,418,356, plus strand): 5'-TCTAGATTATTATCAAGTTTGGTATTGTGATATAGGCACCGATCCCTTTGTAGTTCCACC[G>A]CCTGCCGCAGGAGAGTCTGTAAACGCCGTGGGGGAAGCATCACTGATGGTGGTAAATAGG-3'
Protein context (NP_001366332.1, residues 398-418): PRRLQTLLRQ[Ala408Val]VELQRDRCLY

ClinVar aggregate classification (germline): Uncertain significance (1 of 4 stars; one submission).

gnomAD v4.1: 3 of 1,613,274 alleles (0.00019%); highest among the groups gnomAD compares: African/African-American, 0.0013%; no homozygotes.

Submission:

GeneDx
Classification: Uncertain significance. Last evaluated: 2024-10-31. Review status: criteria provided, single submitter. Criteria: GeneDx Variant Classification Process June 2021. Collection method: clinical testing. Allele origin: germline. Affected: yes.
Comment: Not observed at significant frequency in large population cohorts (gnomAD); In silico analysis supports that this missense variant has a deleterious effect on protein structure/function; Has not been previously published as pathogenic or benign to our knowledge